The following is an entry in ClinVar:

ClinVar aggregate classification (germline): Likely benign (0 of 4 stars; one submission).

Conditions:
EFL1-related disorder. Also called: EFL1-related condition.

Allele frequency attached by ClinVar (database versions not stated): TOPMed 0.00002.
gnomAD v4.1: 18 of 1,609,426 alleles (0.0011%); highest among the groups gnomAD compares: African/African-American, 0.0027%; no homozygotes.

Submission:

PreventionGenetics, part of Exact Sciences
Classification: Likely benign for EFL1-related condition. Last evaluated: 2019-03-15. Review status: no assertion criteria provided. Collection method: clinical testing. Allele origin: germline.
Comment: This variant is classified as likely benign based on ACMG/AMP sequence variant interpretation guidelines (Richards et al. 2015 PMID: 25741868, with internal and published modifications).

NM_024580.6(EFL1):c.525G>A (p.Ala175=)

Gene: EFL1 (elongation factor like GTPase 1; minus strand). Cytogenetic location: 15q25.2.
Variant type: single nucleotide variant.
Coding change: c.525G>A on transcript NM_024580.6 (MANE Select); coding-DNA position 525, G replaced by A.
Protein change: p.Ala175=; no amino-acid change (alanine 175 retained).
Molecular consequence: synonymous variant. On other transcripts: 5 prime UTR variant (1), non-coding transcript variant (1).
Genome position (GRCh38, 1-based): chr15:82,238,513, C>T on the plus strand (G>A on the coding strand, the complement: EFL1 is on the minus strand). VCF-style: chr15-82238513-C-T. GRCh37 (hg19) VCF-style: chr15-82530854-C-T.
Other names: c.372G>A, p.Ala124= (NM_001040610.3); c.-265G>A (NM_001322844.2); c.525G>A, p.Ala175= (NM_001322845.2).
Identifiers: ClinVar variation 3057624 (VCV003057624.2), dbSNP rs955621188, ClinGen allele CA273435316.